The following is an entry in ClinVar:

NM_006767.4(LZTR1):c.2177A>G (p.Tyr726Cys)

Gene: LZTR1 (leucine zipper like post translational regulator 1; plus strand). Cytogenetic location: 22q11.21.
Variant type: single nucleotide variant.
Coding change: c.2177A>G on transcript NM_006767.4 (MANE Select); coding-DNA position 2177, A replaced by G.
Protein change: p.Tyr726Cys; replaces tyrosine 726 with cysteine.
Molecular consequence: missense variant.
Genome position (GRCh38, 1-based): chr22:20,996,070, A>G. VCF-style: chr22-20996070-A-G. GRCh37 (hg19) VCF-style: chr22-21350359-A-G.
Other names: c.2177A>G (NM_006767.3); short protein forms Y726C.
Identifiers: ClinVar variation 2572332 (VCV002572332.4), dbSNP rs1924833412, ClinGen allele CA410779947.

ClinVar aggregate classification (germline): Uncertain significance. Review status: criteria provided, multiple submitters, no conflicts (2 of 4 stars). 3 submissions from 3 submitters: Uncertain significance (3). Last evaluated 2024-08-22.

Conditions:
Cardiovascular phenotype. Identifiers: MedGen CN230736.
Hereditary cancer-predisposing syndrome. Also called: Hereditary neoplastic syndrome; Hereditary Cancer Syndrome; Neoplastic Syndromes, Hereditary; Tumor predisposition. Identifiers: Orphanet 140162, MedGen C0027672, MeSH D009386, MONDO:0015356.

Submissions (3):

Labcorp Genetics (formerly Invitae), Labcorp
Classification: Uncertain significance. Last evaluated: 2024-08-22. Review status: criteria provided, single submitter. Criteria: Invitae Variant Classification Sherloc (09022015). Collection method: clinical testing. Allele origin: germline.
Comment: This sequence change replaces tyrosine, which is neutral and polar, with cysteine, which is neutral and slightly polar, at codon 726 of the LZTR1 protein (p.Tyr726Cys). This variant is not present in population databases (gnomAD no frequency). This variant has not been reported in the literature in individuals affected with LZTR1-related conditions. ClinVar contains an entry for this variant (Variation ID: 2572332). Invitae Evidence Modeling of protein sequence and biophysical properties (such as structural, functional, and spatial information, amino acid conservation, physicochemical variation, residue mobility, and thermodynamic stability) indicates that this missense variant is not expected to disrupt LZTR1 protein function with a negative predictive value of 80%. In summary, the available evidence is currently insufficient to determine the role of this variant in disease. Therefore, it has been classified as a Variant of Uncertain Significance.

Ambry Genetics
Classification: Uncertain significance for Cardiovascular phenotype; Hereditary cancer-predisposing syndrome. Last evaluated: 2023-06-30. Review status: criteria provided, single submitter. Criteria: Ambry Variant Classification Scheme 2023. Collection method: clinical testing. Allele origin: germline.
Comment: The p.Y726C variant (also known as c.2177A>G), located in coding exon 18 of the LZTR1 gene, results from an A to G substitution at nucleotide position 2177. The tyrosine at codon 726 is replaced by cysteine, an amino acid with highly dissimilar properties. This amino acid position is conserved. In addition, this alteration is predicted to be deleterious by in silico analysis. Since supporting evidence is limited at this time, the clinical significance of this alteration remains unclear.

Greenwood Genetic Center Diagnostic Laboratories, Greenwood Genetic Center
Classification: Uncertain significance. Last evaluated: 2023-04-03. Review status: criteria provided, single submitter. Criteria: ACMG Guidelines, 2015. Collection method: clinical testing. Allele origin: germline. Affected: yes.
Comment: PM2